The following is an entry in ClinVar:

NM_017617.5(NOTCH1):c.3325+20_3325+21inv

Gene: NOTCH1 (notch receptor 1; minus strand). Cytogenetic location: 9q34.3.
Variant type: Inversion.
Coding change: c.3325+20_3325+21inv on transcript NM_017617.5 (MANE Select).
Molecular consequence: intron variant.
Genome position: GRCh38 VCF-style: chr9-136508211-TG-CA. GRCh37 (hg19) VCF-style: chr9-139402663-TG-CA.
Identifiers: ClinVar variation 3716647 (VCV003716647.2).

ClinVar aggregate classification (germline): Uncertain significance (1 of 4 stars; one submission).

Conditions:
Adams-Oliver syndrome 5 (AOS5). Identifiers: Orphanet 974, MedGen C4014970, MONDO:0014459, OMIM 616028.

Submission:

Labcorp Genetics (formerly Invitae), Labcorp
Classification: Uncertain significance for Adams-Oliver syndrome 5. Last evaluated: 2025-10-12. Review status: criteria provided, single submitter. Criteria: Invitae Variant Classification Sherloc (09022015). Collection method: clinical testing. Allele origin: germline.
Comment: This sequence change falls in intron 20 of the NOTCH1 gene. It does not directly change the encoded amino acid sequence of the NOTCH1 protein. Information on the frequency of this variant in the gnomAD database is not available, as this variant may be reported differently in the database. This variant has not been reported in the literature in individuals affected with NOTCH1-related conditions. ClinVar contains an entry for this variant (Variation ID: 3716647). Experimental studies and prediction algorithms are not available or were not evaluated, and the effect of this variant on mRNA splicing is currently unknown. In summary, the available evidence is currently insufficient to determine the role of this variant in disease. Therefore, it has been classified as a Variant of Uncertain Significance.